The following is an entry in ClinVar:

NM_000444.6(PHEX):c.1701-2A>C

Genes: PHEX (phosphate regulating endopeptidase X-linked; plus strand), PTCHD1-AS (PTCHD1 and PHEX antisense RNA; minus strand). Cytogenetic location: Xp22.11.
Variant type: single nucleotide variant.
Coding change: c.1701-2A>C on transcript NM_000444.6 (MANE Select); the canonical splice acceptor site of the intron before coding-DNA position 1701, A replaced by C.
Molecular consequence: splice acceptor variant.
Genome position (GRCh38, 1-based): chrX:22,219,034, A>C. VCF-style: chrX-22219034-A-C. GRCh37 (hg19) VCF-style: chrX-22237151-A-C.
Other names: c.1701-2A>C (NM_001282754.2).
Identifiers: ClinVar variation 2006117 (VCV002006117.4), dbSNP rs886041683, ClinGen allele CA412575715.

ClinVar aggregate classification (germline): Pathogenic (1 of 4 stars; one submission).

Submission:

Labcorp Genetics (formerly Invitae), Labcorp
Classification: Pathogenic. Last evaluated: 2022-06-14. Review status: criteria provided, single submitter. Criteria: Invitae Variant Classification Sherloc (09022015). Collection method: clinical testing. Allele origin: germline.
Comment: This sequence change affects an acceptor splice site in intron 16 of the PHEX gene. It is expected to disrupt RNA splicing. Variants that disrupt the donor or acceptor splice site typically lead to a loss of protein function (PMID: 16199547), and loss-of-function variants in PHEX are known to be pathogenic (PMID: 9097956, 9106524, 19219621). This variant is not present in population databases (gnomAD no frequency). Disruption of this splice site has been observed in individual(s) with hypophosphatemic rickets (Invitae). Algorithms developed to predict the effect of sequence changes on RNA splicing suggest that this variant may disrupt the consensus splice site. For these reasons, this variant has been classified as Pathogenic.

Literature cited by the submitters: PubMed 16199547; PubMed 9097956; PubMed 9106524; PubMed 19219621.